The following is an entry in ClinVar:

NM_005612.5(REST):c.637A>C (p.Lys213Gln)

Gene: REST (RE1 silencing transcription factor; plus strand). Cytogenetic location: 4q12.
Variant type: single nucleotide variant.
Coding change: c.637A>C on transcript NM_005612.5 (MANE Select); coding-DNA position 637, A replaced by C.
Protein change: p.Lys213Gln; replaces lysine 213 with glutamine.
Molecular consequence: missense variant.
Genome position (GRCh38, 1-based): chr4:56,911,275, A>C. VCF-style: chr4-56911275-A-C. GRCh37 (hg19) VCF-style: chr4-57777441-A-C.
Other names: c.637A>C, p.Lys213Gln (NM_001193508.2, NM_001363453.3); short protein forms K213Q.
Identifiers: ClinVar variation 1382755 (VCV001382755.8), dbSNP rs2109524765, ClinGen allele CA357004473.

ClinVar aggregate classification (germline): Uncertain significance (1 of 4 stars; one submission).

Submission:

Labcorp Genetics (formerly Invitae), Labcorp
Classification: Uncertain significance. Last evaluated: 2021-06-15. Review status: criteria provided, single submitter. Criteria: Invitae Variant Classification Sherloc (09022015). Collection method: clinical testing. Allele origin: germline.
Comment: This sequence change replaces lysine with glutamine at codon 213 of the REST protein (p.Lys213Gln). The lysine residue is highly conserved and there is a small physicochemical difference between lysine and glutamine. This variant is not present in population databases (ExAC no frequency). This variant has not been reported in the literature in individuals affected with REST-related conditions. Algorithms developed to predict the effect of missense changes on protein structure and function (SIFT, PolyPhen-2, Align-GVGD) all suggest that this variant is likely to be disruptive. In summary, the available evidence is currently insufficient to determine the role of this variant in disease. Therefore, it has been classified as a Variant of Uncertain Significance.